The following is an entry in ClinVar:

NM_007118.4(TRIO):c.7388G>C (p.Ser2463Thr)

Gene: TRIO (trio Rho guanine nucleotide exchange factor; plus strand). Cytogenetic location: 5p15.2.
Variant type: single nucleotide variant.
Coding change: c.7388G>C on transcript NM_007118.4 (MANE Select); coding-DNA position 7388, G replaced by C.
Protein change: p.Ser2463Thr; replaces serine 2463 with threonine.
Molecular consequence: missense variant.
Genome position (GRCh38, 1-based): chr5:14,488,016, G>C. VCF-style: chr5-14488016-G-C. GRCh37 (hg19) VCF-style: chr5-14488125-G-C.
Other names: short protein forms S2463T.
Identifiers: ClinVar variation 1314832 (VCV001314832.2), dbSNP rs772325508, ClinGen allele CA359237368.

ClinVar aggregate classification (germline): Uncertain significance (1 of 4 stars; one submission).

gnomAD v4.1: 2 of 1,590,192 alleles (0.00013%); highest among the groups gnomAD compares: African/African-American, 0.0027%; no homozygotes.

Submission:

GeneDx
Classification: Uncertain significance. Last evaluated: 2021-04-19. Review status: criteria provided, single submitter. Criteria: GeneDx Variant Classification Process June 2021. Collection method: clinical testing. Allele origin: germline. Affected: yes.
Comment: Not observed in large population cohorts (Lek et al., 2016); In silico analysis supports that this missense variant does not alter protein structure/function; Has not been previously published as pathogenic or benign to our knowledge